The following is an entry in ClinVar:

ClinVar aggregate classification (germline): Uncertain significance (1 of 4 stars; one submission).

Allele frequency attached by ClinVar (database versions not stated): gnomAD exomes 0.00001; TOPMed below 0.00001; ExAC 0.00001; gnomAD 0.00001.
gnomAD v4.1: 5 of 1,613,854 alleles (0.00031%); highest among the groups gnomAD compares: South Asian, 0.0022%; no homozygotes.

Submission:

GeneDx
Classification: Uncertain significance. Last evaluated: 2020-08-28. Review status: criteria provided, single submitter. Criteria: GeneDx Variant Classification Process June 2021. Collection method: clinical testing. Allele origin: germline. Affected: yes.
Comment: Not observed at a significant frequency in large population cohorts (Lek et al., 2016); In silico analysis supports that this missense variant has a deleterious effect on protein structure/function; Has not been previously published as pathogenic or benign to our knowledge

NM_015909.4(NBAS):c.6181C>T (p.Pro2061Ser)

Gene: NBAS (NBAS subunit of NRZ tethering complex; minus strand). Cytogenetic location: 2p24.3.
Variant type: single nucleotide variant.
Coding change: c.6181C>T on transcript NM_015909.4 (MANE Select); coding-DNA position 6181, C replaced by T.
Protein change: p.Pro2061Ser; replaces proline 2061 with serine.
Molecular consequence: missense variant. On other transcripts: non-coding transcript variant (1).
Genome position (GRCh38, 1-based): chr2:15,232,477, G>A on the plus strand (C>T on the coding strand, the complement: NBAS is on the minus strand). VCF-style: chr2-15232477-G-A. GRCh37 (hg19) VCF-style: chr2-15372601-G-A.
Other names: short protein forms P2061S.
Identifiers: ClinVar variation 1304085 (VCV001304085.2), dbSNP rs781102337, ClinGen allele CA1535092.